The following is an entry in ClinVar:

ClinVar aggregate classification (germline): Pathogenic/Likely pathogenic. Review status: criteria provided, multiple submitters, no conflicts (2 of 4 stars). 10 submissions from 10 submitters: Pathogenic (5); Likely pathogenic (3). 2 of the submissions do not count toward it. Last evaluated 2026-07-02.

Conditions:
Autosomal dominant hypocalcemia 1 (HYPOC1). Also called: HYPOCALCEMIA, FAMILIAL. Identifiers: MedGen C3715128, MONDO:0011013, OMIM 601198.
Familial hypocalciuric hypercalcemia (FHH). Also called: Familial benign hypercalcemia. Identifiers: Orphanet 405, MedGen C1809471, MONDO:0018458.
Nephrolithiasis/nephrocalcinosis. Identifiers: MedGen CN580796.
Epilepsy, idiopathic generalized, susceptibility to, 8. Identifiers: MedGen C2752062, MONDO:0013032, OMIM 612899.
Familial hypocalciuric hypercalcemia 1. Also called: Hypercalcemia, familial benign type 1. Identifiers: Orphanet 405, Orphanet 93372, MedGen C0342637, MONDO:0007791, OMIM 145980.
Neonatal severe primary hyperparathyroidism. Identifiers: Orphanet 417, MedGen C1832615, MONDO:0009397, OMIM 239200.

gnomAD v4.1: 1 of 1,613,414 alleles (0.000062%); no homozygotes.

Submissions (10):

Ambry Genetics
Classification: Likely pathogenic for Nephrolithiasis/nephrocalcinosis. Last evaluated: 2026-07-02. Review status: criteria provided, single submitter. Criteria: Ambry Variant Classification Scheme 2023. Collection method: clinical testing. Allele origin: germline.
Comment: The c.1394G>A (p.R465Q) alteration is located in exon 5 (coding exon 4) of the CASR gene. This alteration results from a G to A substitution at nucleotide position 1394, causing the arginine (R) at amino acid position 465 to be replaced by a glutamine (Q). Based on the available evidence, the CASR c.1394G>A (p.R465Q) variant is classified as likely pathogenic for autosomal dominant CASR-related hypocalciuric hypercalcemia and autosomal recessive neonatal hyperparathyroidism; however, it is unlikely to be causative of autosomal dominant CASR-related hypocalcemia. This variant was not reported in population-based cohorts in the Genome Aggregation Database (gnomAD). This variant was reported in individuals with features consistent with CASR-related hypocalciuric hypercalcemia (Leech, 2006; Mayr, 2016; Szalat, 2017; Mariathasan, 2020; Garc&iacute;a-Casta&ntilde;o, 2024; external communication). This amino acid position is highly conserved in available vertebrate species. This alteration is predicted to be deleterious by in silico analysis. Based on the available evidence, this alteration is classified as likely pathogenic.

Women's Health and Genetics/Laboratory Corporation of America, LabCorp
Classification: Pathogenic for Familial hypocalciuric hypercalcemia. Last evaluated: 2026-06-02. Review status: criteria provided, single submitter. Criteria: LabCorp Variant Classification Summary - May 2015. Collection method: clinical testing. Allele origin: germline.
Comment: Variant summary: CASR c.1394G>A (p.Arg465Gln) results in a conservative amino acid change in the encoded protein sequence. Algorithms developed to predict the effect of missense changes on protein structure and function are either unavailable or do not agree on the potential impact of this missense change. The variant was absent in 251282 control chromosomes. c.1394G>A has been observed in multiple individuals affected with Familial Hypocalciuric Hypercalcemia (Leech_2006, Mayr_2016, Garca-Castao_2019, Asla_2024, internal data). These data indicate that the variant is very likely to be associated with disease. A different variant affecting the same codon has been classified as likely pathogenic/pathogenic by our lab (c.1393C>T, p.Arg465Trp), supporting the critical relevance of codon 465 to CASR protein function. At least one publication reports experimental evidence evaluating an impact on protein function (Leech_2006). The most pronounced variant effect results in an approximately 2-fold increase in the EC50 in an in vitro cellular assay. The following publications have been ascertained in the context of this evaluation (PMID: 38214877, 30407919, 38586466, 16598859, 26646938, 28176280). ClinVar contains an entry for this variant (Variation ID: 8352). Based on the evidence outlined above, the variant was classified as pathogenic.

MVZ Medizinische Genetik Mainz
Classification: Pathogenic for Familial hypocalciuric hypercalcemia 1. Last evaluated: 2025-11-27. Review status: criteria provided, single submitter. Criteria: UK Practice Guidelines For Variant Classification V4 01 2020. Collection method: clinical testing. Allele origin: germline. Inheritance: Autosomal dominant inheritance. Affected: yes. Observed: 1 variant allele.
Comment: ACMG Criteria: PS4,PM5,PS3_SUP,PM2_SUP,PP3,PP4

Labcorp Genetics (formerly Invitae), Labcorp
Classification: Pathogenic for Familial hypocalciuric hypercalcemia; Autosomal dominant hypocalcemia 1. Last evaluated: 2025-09-22. Review status: criteria provided, single submitter. Criteria: Invitae Variant Classification Sherloc (09022015). Collection method: clinical testing. Allele origin: germline.
Comment: This sequence change replaces arginine, which is basic and polar, with glutamine, which is neutral and polar, at codon 465 of the CASR protein (p.Arg465Gln). This variant is not present in population databases (gnomAD no frequency). This missense change has been observed in individuals with benign familial hypocalciuric hypercalcemia (PMID: 16598859, 26646938, 26963950, 28176280, 30407919; internal data). Invitae Evidence Modeling of clinical and family history, age, sex, and reported ancestry of multiple individuals with this CASR variant has been performed. This variant is expected to be pathogenic with a positive predictive value of at least 99%. This is a validated machine learning model that incorporates the clinical features of 646,172 individuals referred to our laboratory for CASR testing. ClinVar contains an entry for this variant (Variation ID: 8352). An algorithm developed to predict the effect of missense changes on protein structure and function (PolyPhen-2) suggests that this variant is likely to be tolerated. Experimental studies have shown that this missense change affects CASR function (PMID: 16598859). This variant disrupts the p.Arg465 amino acid residue in CASR. Other variant(s) that disrupt this residue have been determined to be pathogenic (PMID: 20164288, 29026550, 31672324; internal data). This suggests that this residue is clinically significant, and that variants that disrupt this residue are likely to be disease-causing. For these reasons, this variant has been classified as Pathogenic.

Fulgent Genetics
Classification: Likely pathogenic for Familial hypocalciuric hypercalcemia 1; Neonatal severe primary hyperparathyroidism; Autosomal dominant hypocalcemia 1; Epilepsy, idiopathic generalized, susceptibility to, 8. Last evaluated: 2024-04-30. Review status: criteria provided, single submitter. Criteria: ACMG Guidelines, 2015. Collection method: clinical testing. Allele origin: germline.

Athena Diagnostics
Classification: Pathogenic. Last evaluated: 2023-03-07. Review status: criteria provided, single submitter. Criteria: Athena Diagnostics Criteria. Collection method: clinical testing. Allele origin: unknown.
Comment: This variant has been identified in multiple unrelated individuals with clinical features associated with autosomal dominant hypocalciuric hypercalcemia. At least one other missense variant at this codon is considered to be pathogenic or likely pathogenic, suggesting this variant may also cause disease. This variant has not been reported in large, multi-ethnic general populations. Assessment of experimental evidence suggests this variant results in abnormal protein function. (PMID: 16598859)

Clinical Genetics Service, Universitary Hospital 12 de Octubre
Classification: Pathogenic for Familial hypocalciuric hypercalcemia 1. Review status: criteria provided, single submitter. Criteria: ACMG Guidelines, 2015. Collection method: clinical testing. Allele origin: germline. Affected: yes.

Juno Genomics, Hangzhou Juno Genomics, Inc
Classification: Likely pathogenic for Epilepsy, idiopathic generalized, susceptibility to, 8; Neonatal severe primary hyperparathyroidism; Autosomal dominant hypocalcemia 1; Familial hypocalciuric hypercalcemia 1. Review status: criteria provided, single submitter. Criteria: ACMG Guidelines, 2015. Collection method: clinical testing. Allele origin: germline.
Comment: Absent from controls (or at extremely low frequency if recessive) in Genome Aggregation Database.;Well-established in vitro or in vivo functional studies supportive of a damaging effect on the gene or gene product.;Missense variant in a gene that has a low rate of benign missense variation.;The prevalence of the variant in affected individuals is significantly increased compared to the prevalence in controls.;Patient's phenotype or family history is highly specific for a disease with a single genetic etiology.

Molecular Genetics Laboratory, Biobizkaia Health Research Institute
Classification: Pathogenic for Familial hypocalciuric hypercalcemia 1. Last evaluated: 2024-03-08. Review status: no assertion criteria provided. Collection method: clinical testing. Allele origin: maternal. Affected: yes. Not counted in ClinVar's aggregate classification.

OMIM
Classification: Pathogenic for HYPOCALCIURIC HYPERCALCEMIA, FAMILIAL, TYPE I. Last evaluated: 2006-04-14. Review status: no assertion criteria provided. Collection method: literature only. Allele origin: germline. Not counted in ClinVar's aggregate classification.

Literature cited by the submitters: PubMed 16598859 (cited by 5 submitters); PubMed 26646938 (cited by 4 submitters); PubMed 28176280 (cited by 4 submitters); PubMed 32430905 (cited by Ambry Genetics and Athena Diagnostics); PubMed 38586466 (cited by Ambry Genetics and Women's Health and Genetics/Laboratory Corporation of America, LabCorp); PubMed 30407919 (cited by 3 submitters); PubMed 38214877 (cited by Women's Health and Genetics/Laboratory Corporation of America, LabCorp); PubMed 26963950 (cited by Labcorp Genetics (formerly Invitae), Labcorp and Athena Diagnostics); PubMed 20164288 (cited by Labcorp Genetics (formerly Invitae), Labcorp); PubMed 29026550 (cited by Labcorp Genetics (formerly Invitae), Labcorp); PubMed 31672324 (cited by Labcorp Genetics (formerly Invitae), Labcorp).

NM_000388.4(CASR):c.1394G>A (p.Arg465Gln)

Gene: CASR (calcium sensing receptor; plus strand). Cytogenetic location: 3q21.1.
Variant type: single nucleotide variant.
Coding change: c.1394G>A on transcript NM_000388.4 (MANE Select); coding-DNA position 1394, G replaced by A.
Protein change: p.Arg465Gln; replaces arginine 465 with glutamine.
Molecular consequence: missense variant.
Genome position (GRCh38, 1-based): chr3:122,275,828, G>A. VCF-style: chr3-122275828-G-A. GRCh37 (hg19) VCF-style: chr3-121994675-G-A.
Other names: c.1394G>A (NM_001178065.1); c.1394G>A, p.Arg465Gln (NM_001178065.2); short protein forms R465Q.
Identifiers: ClinVar variation 8352 (VCV000008352.23), dbSNP rs104893716, ClinGen allele CA119537.